The following is an entry in ClinVar:

ClinVar aggregate classification (germline): Uncertain significance (1 of 4 stars; one submission).

gnomAD v4.1: 3 of 1,586,950 alleles (0.00019%); highest among the groups gnomAD compares: African/African-American, 0.0027%; no homozygotes.

Submission:

GeneDx
Classification: Uncertain significance. Last evaluated: 2023-04-01. Review status: criteria provided, single submitter. Criteria: GeneDx Variant Classification Process June 2021. Collection method: clinical testing. Allele origin: germline. Affected: yes.
Comment: Not observed at significant frequency in large population cohorts (gnomAD); In silico analysis supports that this missense variant has a deleterious effect on protein structure/function; In silico analysis is inconclusive as to whether the variant alters gene splicing. In the absence of RNA/functional studies, the actual effect of this sequence change is unknown.; Has not been previously published as pathogenic or benign to our knowledge; Variants in candidate genes are classified as variants of uncertain significance in accordance with ACMG guidelines (Richards et al., 2015)

NM_001370785.2(LRRC7):c.1205T>C (p.Ile402Thr)

Gene: LRRC7 (leucine rich repeat containing 7; plus strand). Cytogenetic location: 1p31.1.
Variant type: single nucleotide variant.
Coding change: c.1205T>C on transcript NM_001370785.2 (MANE Select); coding-DNA position 1205, T replaced by C.
Protein change: p.Ile402Thr; replaces isoleucine 402 with threonine.
Molecular consequence: missense variant.
Genome position (GRCh38, 1-based): chr1:70,013,044, T>C. VCF-style: chr1-70013044-T-C. GRCh37 (hg19) VCF-style: chr1-70478727-T-C.
Other names: NM_020794.2:c.1091T>C; c.1106T>C, p.Ile369Thr (NM_001330635.3, NM_001366839.3, NM_001366841.1); c.1208T>C, p.Ile403Thr (NM_001350216.3); c.1205T>C, p.Ile402Thr (NM_001366838.3); short protein forms I369T, I402T, I403T.
Identifiers: ClinVar variation 3342967 (VCV003342967.1).
Genomic context (GRCh38, chr1:70,013,044, plus strand): 5'-GTAAGAATGTAACAGTCATGTCTCTACGCTCCAACAAATTAGAATTTCTTCCTGAAGAGA[T>C]TGGACAGATGCAGAAACTAAGAGTCCTAAATTTGAGTGACAACAGGTATTTTTGCAACAT-3'
Protein context (NP_001357714.1, residues 392-412): SNKLEFLPEE[Ile402Thr]GQMQKLRVLN